The following is an entry in ClinVar:

NM_022095.4(ZNF335):c.3101T>C (p.Met1034Thr)

Gene: ZNF335 (zinc finger protein 335; minus strand). Cytogenetic location: 20q13.12.
Variant type: single nucleotide variant.
Coding change: c.3101T>C on transcript NM_022095.4 (MANE Select); coding-DNA position 3101, T replaced by C.
Protein change: p.Met1034Thr; replaces methionine 1034 with threonine.
Molecular consequence: missense variant.
Genome position (GRCh38, 1-based): chr20:45,952,235, A>G on the plus strand (T>C on the coding strand, the complement: ZNF335 is on the minus strand). VCF-style: chr20-45952235-A-G. GRCh37 (hg19) VCF-style: chr20-44580874-A-G.
Other names: short protein forms M1034T.
Identifiers: ClinVar variation 545034 (VCV000545034.2), dbSNP rs1555845134, ClinGen allele CA409237458.

ClinVar aggregate classification (germline): Uncertain significance. Review status: criteria provided, single submitter (1 of 4 stars). 2 submissions from 2 submitters: Uncertain significance (1). 1 of the submissions does not count toward it. Last evaluated 2026-04-07.

Allele frequency attached by ClinVar (database versions not stated): gnomAD exomes below 0.00001.

Submissions (2):

GeneDx
Classification: Uncertain significance. Last evaluated: 2026-04-07. Review status: criteria provided, single submitter. Criteria: GeneDx Variant Classification Process June 2021. Collection method: clinical testing. Allele origin: germline.
Comment: Not observed at significant frequency in large population cohorts (gnomAD); In silico analysis suggests that this missense variant does not alter protein structure/function; Has not been previously published as pathogenic or benign to our knowledge

Laboratory of Molecular Genetics (Pr. Bezieau's lab), CHU de Nantes
Classification: Uncertain significance. Last evaluated: 2016-07-06. Review status: no assertion criteria provided. Collection method: clinical testing. Allele origin: germline. Affected: yes. Not counted in ClinVar's aggregate classification.